The following is an entry in ClinVar:

ClinVar aggregate classification (germline): Uncertain significance (1 of 4 stars; one submission).

Submission:

Dasa
Classification: Uncertain significance. Last evaluated: 2025-02-08. Review status: criteria provided, single submitter. Criteria: DASA Assertion Criteria. Collection method: clinical testing. Allele origin: germline.
Comment: NM_001042681.2(RERE):c.4438C>T (p.Leu1480Phe) is a missense variant that results in the substitution of leucine with phenylalanine. This variant is rare in population databases. The currently available literature and clinical evidence are not sufficient to establish a definitive association between this variant and the reported condition. Therefore, this variant is classified as a variant of uncertain significance.

NM_001042681.2(RERE):c.4438C>T (p.Leu1480Phe)

Gene: RERE (arginine-glutamic acid dipeptide repeats; minus strand). Cytogenetic location: 1p36.23.
Variant type: single nucleotide variant.
Coding change: c.4438C>T on transcript NM_001042681.2 (MANE Select); coding-DNA position 4438, C replaced by T.
Protein change: p.Leu1480Phe; replaces leucine 1480 with phenylalanine.
Molecular consequence: missense variant.
Genome position (GRCh38, 1-based): chr1:8,356,148, G>A on the plus strand (C>T on the coding strand, the complement: RERE is on the minus strand). VCF-style: chr1-8356148-G-A. GRCh37 (hg19) VCF-style: chr1-8416208-G-A.
Other names: c.2776C>T, p.Leu926Phe (NM_001042682.2); c.4438C>T, p.Leu1480Phe (NM_012102.4); short protein forms L1480F, L926F.
Identifiers: ClinVar variation 4881671 (VCV004881671.2).